The following is an entry in ClinVar:

ClinVar aggregate classification (germline): Uncertain significance (1 of 4 stars; one submission).

Conditions:
Hereditary cancer-predisposing syndrome. Also called: Neoplastic Syndromes, Hereditary; Tumor predisposition; Hereditary Cancer Syndrome; Hereditary neoplastic syndrome. Identifiers: Orphanet 140162, MedGen C0027672, MeSH D009386, MONDO:0015356.

Submission:

Ambry Genetics
Classification: Uncertain significance for Hereditary cancer-predisposing syndrome. Last evaluated: 2017-05-11. Review status: criteria provided, single submitter. Criteria: Ambry Variant Classification Scheme 2023. Collection method: clinical testing. Allele origin: germline.
Comment: The p.P242T variant (also known as c.724C>A), located in coding exon 3 of the SMARCA4 gene, results from a C to A substitution at nucleotide position 724. The proline at codon 242 is replaced by threonine, an amino acid with highly similar properties. This amino acid position is well conserved in available vertebrate species. In addition, this alteration is predicted to be tolerated by in silico analysis. Since supporting evidence is limited at this time, the clinical significance of this alteration remains unclear.

NM_003072.5(SMARCA4):c.724C>A (p.Pro242Thr)

Gene: SMARCA4 (SWI/SNF related BAF chromatin remodeling complex subunit ATPase 4; plus strand). Cytogenetic location: 19p13.2.
Variant type: single nucleotide variant.
Coding change: c.724C>A on transcript NM_003072.5 (MANE Select); coding-DNA position 724, C replaced by A.
Protein change: p.Pro242Thr; replaces proline 242 with threonine.
Molecular consequence: missense variant. On other transcripts: non-coding transcript variant (1).
Genome position (GRCh38, 1-based): chr19:10,986,557, C>A. VCF-style: chr19-10986557-C-A. GRCh37 (hg19) VCF-style: chr19-11097233-C-A.
Other names: c.724C>A, p.Pro242Thr (NM_001128844.3, NM_001128845.2, NM_001128846.2 and 5 more transcripts); short protein forms P242T.
Identifiers: ClinVar variation 484972 (VCV000484972.5), dbSNP rs1555753773, ClinGen allele CA404057179.
Genomic context (GRCh38, chr19:10,986,557, plus strand): 5'-CCACCCTCGGTGTCCGCAACAGGACCCGGCCCTGGCCCTGGCCCTGGCCCCGGCCCGGGT[C>A]CCGGCCCGGCACCTCCAAATTACAGCAGGCCTCATGGTAAGACTGGCTGCCCTGGCCCTC-3'
Protein context (NP_003063.2, residues 232-252): PGPGPGPGPG[Pro242Thr]GPAPPNYSRP